The following is an entry in ClinVar:

ClinVar aggregate classification (germline): Uncertain significance. Review status: criteria provided, multiple submitters, no conflicts (2 of 4 stars). 2 submissions from 2 submitters: Uncertain significance (2). Last evaluated 2021-08-27.

Conditions:
Neonatal-onset encephalopathy with rigidity and seizures. Also called: Lethal neonatal spasticity-epileptic encephalopathy syndrome. Identifiers: Orphanet 435845, MedGen C3281029, MONDO:0013784, OMIM 614498.

Allele frequency attached by ClinVar (database versions not stated): gnomAD 0.00001; TOPMed 0.00001; gnomAD exomes 0.00002.
gnomAD v4.1: 35 of 1,610,116 alleles (0.0022%); highest among the groups gnomAD compares: Non-Finnish European, 0.003%; no homozygotes.

Submissions (2):

Labcorp Genetics (formerly Invitae), Labcorp
Classification: Uncertain significance for Neonatal-onset encephalopathy with rigidity and seizures. Last evaluated: 2021-08-27. Review status: criteria provided, single submitter. Criteria: Invitae Variant Classification Sherloc (09022015). Collection method: clinical testing. Allele origin: germline.

Baylor Genetics
Classification: Uncertain significance for Neonatal-onset encephalopathy with rigidity and seizures. Last evaluated: 2018-08-30. Review status: criteria provided, single submitter. Criteria: ACMG Guidelines, 2015. Collection method: clinical testing. Allele origin: maternal. Affected: yes.
Comment: This variant was determined to be of uncertain significance according to ACMG Guidelines, 2015 [PMID:25741868].

NM_152743.4(BRAT1):c.1732C>T (p.His578Tyr)

Gene: BRAT1 (BRCA1 associated ATM activator 1; minus strand). Cytogenetic location: 7p22.3.
Variant type: single nucleotide variant.
Coding change: c.1732C>T on transcript NM_152743.4 (MANE Select); coding-DNA position 1732, C replaced by T.
Protein change: p.His578Tyr; replaces histidine 578 with tyrosine.
Molecular consequence: missense variant. On other transcripts: non-coding transcript variant (1).
Genome position (GRCh38, 1-based): chr7:2,539,217, G>A on the plus strand (C>T on the coding strand, the complement: BRAT1 is on the minus strand). VCF-style: chr7-2539217-G-A. GRCh37 (hg19) VCF-style: chr7-2578851-G-A.
Other names: c.1732C>T, p.His578Tyr (NM_001350626.2); c.1207C>T, p.His403Tyr (NM_001350627.2); short protein forms H578Y, H403Y.
Identifiers: ClinVar variation 1031684 (VCV001031684.5), dbSNP rs747577493, ClinGen allele CA152665740.